The following is an entry in ClinVar:

NM_001143979.2(NDE1):c.-152C>T

Gene: NDE1 (nudE neurodevelopment protein 1; plus strand). Cytogenetic location: 16p13.11.
Variant type: single nucleotide variant.
Coding change: c.-152C>T on transcript NM_001143979.2; 152 bases upstream of the start codon, C replaced by T.
Molecular consequence: 5 prime UTR variant.
Genome position (GRCh38, 1-based): chr16:15,649,361, C>T. VCF-style: chr16-15649361-C-T. GRCh37 (hg19) VCF-style: chr16-15743218-C-T.
Identifiers: ClinVar variation 318037 (VCV000318037.8), dbSNP rs142755362, ClinGen allele CA10643014.

ClinVar aggregate classification (germline): Benign. Review status: criteria provided, multiple submitters, no conflicts (2 of 4 stars). 2 submissions from 2 submitters: Benign (2). Last evaluated 2018-04-18.

Conditions:
Lissencephaly 4 (LIS4). Also called: Lissencephaly 4 (with microcephaly). Identifiers: Orphanet 1083, MedGen C3151461, MONDO:0013527, OMIM 614019.

Allele frequency attached by ClinVar (database versions not stated): gnomAD 0.01053 and 0.01125; TOPMed 0.01257; 1000 Genomes Project 0.01178; 1000 Genomes Project 30x 0.01218.

Submissions (2):

GeneDx
Classification: Benign. Last evaluated: 2018-04-18. Review status: criteria provided, single submitter. Criteria: GeneDx Variant Classification Process June 2021. Collection method: clinical testing. Allele origin: germline. Affected: yes.

Illumina Laboratory Services, Illumina
Classification: Benign for Lissencephaly 4. Last evaluated: 2018-01-12. Review status: criteria provided, single submitter. Criteria: ICSL Variant Classification Criteria 13 December 2019. Collection method: clinical testing. Allele origin: germline.
Comment: This variant was observed in the ICSL laboratory as part of a predisposition screen in an ostensibly healthy population. It had not been previously curated by ICSL or reported in the Human Gene Mutation Database (HGMD: prior to June 1st, 2018), and was therefore a candidate for classification through an automated scoring system. Utilizing variant allele frequency, disease prevalence and penetrance estimates, and inheritance mode, an automated score was calculated to assess if this variant is too frequent to cause the disease. Based on the score and internal cut-off values, a variant classified as benign is not then subjected to further curation. The score for this variant resulted in a classification of benign for this disease.